The following is an entry in ClinVar:

NM_001079668.3(NKX2-1):c.560C>T (p.Pro187Leu)

Genes: NKX2-1 (NK2 homeobox 1; minus strand), SFTA3 (surfactant associated 3; minus strand). Cytogenetic location: 14q13.3.
Variant type: single nucleotide variant.
Coding change: c.560C>T on transcript NM_001079668.3 (MANE Select); coding-DNA position 560, C replaced by T.
Protein change: p.Pro187Leu; replaces proline 187 with leucine.
Molecular consequence: missense variant.
Genome position (GRCh38, 1-based): chr14:36,517,924, G>A on the plus strand (C>T on the coding strand, the complement: NKX2-1 is on the minus strand). VCF-style: chr14-36517924-G-A. GRCh37 (hg19) VCF-style: chr14-36987129-G-A.
Other names: c.470C>T, p.Pro157Leu (NM_003317.4); short protein forms P157L, P187L.
Identifiers: ClinVar variation 4992857 (VCV004992857.1).

ClinVar aggregate classification (germline): Uncertain significance (1 of 4 stars; one submission).

Conditions:
NKX2-1-Related Disorders. Also called: NKX2-1-related disorder. Identifiers: MedGen CN381057.

Submission:

PreventionGenetics, part of Exact Sciences
Classification: Uncertain significance for NKX2-1-related condition. Last evaluated: 2025-09-12. Review status: criteria provided, single submitter. Criteria: ACMG Guidelines, 2015. Collection method: clinical testing. Allele origin: germline.
Comment: The NKX2-1 c.560C>T variant is predicted to result in the amino acid substitution p.Pro187Leu. To our knowledge, this variant has not been reported in the literature or in a large population database (gnomAD), indicating this variant is rare. At this time, the clinical significance of this variant is uncertain due to the absence of conclusive functional and genetic evidence.